The following is an entry in ClinVar:

NM_005630.3(SLCO2A1):c.755G>A (p.Arg252Gln)

Gene: SLCO2A1 (solute carrier organic anion transporter family member 2A1; minus strand). Cytogenetic location: 3q22.1.
Variant type: single nucleotide variant.
Coding change: c.755G>A on transcript NM_005630.3 (MANE Select); coding-DNA position 755, G replaced by A.
Protein change: p.Arg252Gln; replaces arginine 252 with glutamine.
Molecular consequence: missense variant.
Genome position (GRCh38, 1-based): chr3:133,951,314, C>T on the plus strand (G>A on the coding strand, the complement: SLCO2A1 is on the minus strand). VCF-style: chr3-133951314-C-T. GRCh37 (hg19) VCF-style: chr3-133670158-C-T.
Other names: short protein forms R252Q.
Identifiers: ClinVar variation 3635857 (VCV003635857.2).
Genomic context (GRCh38, chr3:133,951,314, plus strand): 5'-GAGGTGAGAACCAATAAAGCTGAAGAAATGAGCAGGCCTAGCCACCAGGCTCCAATCCAT[C>T]GGGGGTCACCCGGGACCAAGTTAACTGCAGCTGAAGAGAAAACGAAGAGTGCAAATGTTT-3'
Protein context (NP_005621.2, residues 242-262): AAVNLVPGDP[Arg252Gln]WIGAWWLGLL

ClinVar aggregate classification (germline): Uncertain significance (1 of 4 stars; one submission).

gnomAD v4.1: 17 of 1,613,986 alleles (0.0011%); highest among the groups gnomAD compares: East Asian, 0.0045%; no homozygotes.

Submission:

Labcorp Genetics (formerly Invitae), Labcorp
Classification: Uncertain significance. Last evaluated: 2024-11-27. Review status: criteria provided, single submitter. Criteria: Invitae Variant Classification Sherloc (09022015). Collection method: clinical testing. Allele origin: germline.
Comment: This sequence change replaces arginine, which is basic and polar, with glutamine, which is neutral and polar, at codon 252 of the SLCO2A1 protein (p.Arg252Gln). This variant is present in population databases (rs747030503, gnomAD 0.01%). This variant has not been reported in the literature in individuals affected with SLCO2A1-related conditions. Invitae Evidence Modeling of protein sequence and biophysical properties (such as structural, functional, and spatial information, amino acid conservation, physicochemical variation, residue mobility, and thermodynamic stability) has been performed for this missense variant. However, the output from this modeling did not meet the statistical confidence thresholds required to predict the impact of this variant on SLCO2A1 protein function. In summary, the available evidence is currently insufficient to determine the role of this variant in disease. Therefore, it has been classified as a Variant of Uncertain Significance.